The following is an entry in ClinVar:

ClinVar aggregate classification (germline): Uncertain significance (1 of 4 stars; one submission).

Conditions:
Anterior segment dysgenesis 7 (ASGD7). Also called: Anterior segment dysgenesis 7, with sclerocornea; SCLEROCORNEA WITH OTHER OCULAR ANOMALIES. Identifiers: Orphanet 289499, MedGen C3151617, MONDO:0010015, OMIM 269400.

Allele frequency attached by ClinVar (database versions not stated): gnomAD 0.00003; TOPMed 0.00004; gnomAD exomes 0.00006 and 0.00009; ExAC 0.00007; ESP Exome Variant Server 0.00008.
gnomAD v4.1: 132 of 1,595,134 alleles (0.0083%); highest among the groups gnomAD compares: Non-Finnish European, 0.011%; no homozygotes.

Submission:

Labcorp Genetics (formerly Invitae), Labcorp
Classification: Uncertain significance for Anterior segment dysgenesis 7. Last evaluated: 2019-10-10. Review status: criteria provided, single submitter. Criteria: Invitae Variant Classification Sherloc (09022015). Collection method: clinical testing. Allele origin: germline.
Comment: Algorithms developed to predict the effect of sequence changes on RNA splicing suggest that this variant may create or strengthen a splice site, but this prediction has not been confirmed by published transcriptional studies. In summary, the available evidence is currently insufficient to determine the role of this variant in disease. Therefore, it has been classified as a Variant of Uncertain Significance. Algorithms developed to predict the effect of missense changes on protein structure and function (SIFT, PolyPhen-2, Align-GVGD) all suggest that this variant is likely to be tolerated, but these predictions have not been confirmed by published functional studies and their clinical significance is uncertain. This sequence change replaces alanine with valine at codon 234 of the PXDN protein (p.Ala234Val). The alanine residue is moderately conserved and there is a small physicochemical difference between alanine and valine. This variant is present in population databases (rs376902965, ExAC 0.01%). This variant has not been reported in the literature in individuals with PXDN-related conditions.

NM_012293.3(PXDN):c.701C>T (p.Ala234Val)

Gene: PXDN (peroxidasin; minus strand). Cytogenetic location: 2p25.3.
Variant type: single nucleotide variant.
Coding change: c.701C>T on transcript NM_012293.3 (MANE Select); coding-DNA position 701, C replaced by T.
Protein change: p.Ala234Val; replaces alanine 234 with valine.
Molecular consequence: missense variant.
Genome position (GRCh38, 1-based): chr2:1,680,222, G>A on the plus strand (C>T on the coding strand, the complement: PXDN is on the minus strand). VCF-style: chr2-1680222-G-A. GRCh37 (hg19) VCF-style: chr2-1683994-G-A.
Other names: short protein forms A234V.
Identifiers: ClinVar variation 943641 (VCV000943641.9), dbSNP rs376902965, ClinGen allele CA1513573.